The following is an entry in ClinVar:

NM_130797.4(DPP6):c.924G>A (p.Pro308=)

Gene: DPP6 (dipeptidyl peptidase like 6; plus strand). Cytogenetic location: 7q36.2.
Variant type: single nucleotide variant.
Coding change: c.924G>A on transcript NM_130797.4 (MANE Select); coding-DNA position 924, G replaced by A.
Protein change: p.Pro308=; no amino-acid change (proline 308 retained).
Molecular consequence: synonymous variant. On other transcripts: non-coding transcript variant (2).
Genome position (GRCh38, 1-based): chr7:154,769,457, G>A. VCF-style: chr7-154769457-G-A. GRCh37 (hg19) VCF-style: chr7-154561167-G-A.
Other names: c.732G>A, p.Pro244= (NM_001039350.3, NM_001364501.2); c.603G>A, p.Pro201= (NM_001290252.2); c.741G>A, p.Pro247= (NM_001364497.2, NM_001364498.2, NM_001364499.2 and 1 more transcripts); c.738G>A, p.Pro246= (NM_001936.5).
Identifiers: ClinVar variation 3067450 (VCV003067450.21), dbSNP rs373336654, ClinGen allele CA4583342.

ClinVar aggregate classification (germline): Likely benign (1 of 4 stars; one submission).

Allele frequency attached by ClinVar (database versions not stated): ExAC 0.00004; gnomAD exomes 0.00004; TOPMed 0.00006; gnomAD 0.00007; ESP Exome Variant Server 0.00008; 1000 Genomes Project 30x 0.00016.
gnomAD v4.1: 72 of 1,613,422 alleles (0.0045%); highest among the groups gnomAD compares: Middle Eastern, 0.034%; no homozygotes.

Submission:

CeGaT Center for Human Genetics Tuebingen
Classification: Likely benign. Last evaluated: 2024-03-01. Review status: criteria provided, single submitter. Criteria: CeGaT Center For Human Genetics Tuebingen Variant Classification Criteria Version 2. Collection method: clinical testing. Allele origin: germline. Affected: yes. Observed: 1 variant allele.
Comment: DPP6: BP4, BP7